The following is an entry in ClinVar:

NM_024537.4(CARS2):c.922C>G (p.His308Asp)

Gene: CARS2 (cysteinyl-tRNA synthetase 2, mitochondrial; minus strand). Cytogenetic location: 13q34.
Variant type: single nucleotide variant.
Coding change: c.922C>G on transcript NM_024537.4 (MANE Select); coding-DNA position 922, C replaced by G.
Protein change: p.His308Asp; replaces histidine 308 with aspartic acid.
Molecular consequence: missense variant. On other transcripts: 3 prime UTR variant (1), non-coding transcript variant (2).
Genome position (GRCh38, 1-based): chr13:110,663,516, G>C on the plus strand (C>G on the coding strand, the complement: CARS2 is on the minus strand). VCF-style: chr13-110663516-G-C. GRCh37 (hg19) VCF-style: chr13-111315863-G-C.
Other names: c.136C>G, p.His46Asp (NM_001352252.2); c.*394C>G (NM_001352253.3); short protein forms H46D, H308D.
Identifiers: ClinVar variation 1038057 (VCV001038057.8), dbSNP rs2062566720, ClinGen allele CA388748615.

ClinVar aggregate classification (germline): Uncertain significance (1 of 4 stars; one submission).

Conditions:
Combined oxidative phosphorylation defect type 27. Also called: Combined oxidative phosphorylation deficiency 27. Identifiers: Orphanet 477774, MedGen C5567608, MONDO:0014728, OMIM 616672.

Submission:

Labcorp Genetics (formerly Invitae), Labcorp
Classification: Uncertain significance for Combined oxidative phosphorylation defect type 27. Last evaluated: 2020-10-16. Review status: criteria provided, single submitter. Criteria: Invitae Variant Classification Sherloc (09022015). Collection method: clinical testing. Allele origin: germline.
Comment: In summary, the available evidence is currently insufficient to determine the role of this variant in disease. Therefore, it has been classified as a Variant of Uncertain Significance. Algorithms developed to predict the effect of missense changes on protein structure and function are either unavailable or do not agree on the potential impact of this missense change (SIFT: "Tolerated"; PolyPhen-2: "Probably Damaging"; Align-GVGD: "Class C0"). This variant has not been reported in the literature in individuals with CARS2-related conditions. This variant is not present in population databases (ExAC no frequency). This sequence change replaces histidine with aspartic acid at codon 308 of the CARS2 protein (p.His308Asp). The histidine residue is highly conserved and there is a moderate physicochemical difference between histidine and aspartic acid.